The following is an entry in ClinVar:

ClinVar aggregate classification (germline): Uncertain significance. Review status: criteria provided, single submitter (1 of 4 stars). 2 submissions from 2 submitters: Uncertain significance (1). 1 of the submissions does not count toward it. Last evaluated 2022-06-05.

Conditions:
Developmental and epileptic encephalopathy. Identifiers: MedGen C5779964, MONDO:0100620.

Submissions (2):

Labcorp Genetics (formerly Invitae), Labcorp
Classification: Uncertain significance. Last evaluated: 2022-06-05. Review status: criteria provided, single submitter. Criteria: Invitae Variant Classification Sherloc (09022015). Collection method: clinical testing. Allele origin: germline.
Comment: Experimental studies have shown that this missense change affects CACNA1E function (PMID: 17660294). This sequence change replaces alanine, which is neutral and non-polar, with glycine, which is neutral and non-polar, at codon 1720 of the CACNA1E protein (p.Ala1720Gly). This variant is not present in population databases (gnomAD no frequency). This missense change has been observed in individual(s) with developmental and epileptic encephalopathy (PMID: 30343943). ClinVar contains an entry for this variant (Variation ID: 1344629). Advanced modeling of protein sequence and biophysical properties (such as structural, functional, and spatial information, amino acid conservation, physicochemical variation, residue mobility, and thermodynamic stability) performed at Invitae indicates that this missense variant is expected to disrupt CACNA1E protein function. In summary, the available evidence is currently insufficient to determine the role of this variant in disease. Therefore, it has been classified as a Variant of Uncertain Significance.

Yale Center for Mendelian Genomics, Yale University
Classification: Likely pathogenic for Developmental and epileptic encephalopathy. Last evaluated: 2018-11-01. Review status: no assertion criteria provided. Collection method: literature only. Allele origin: de novo. Affected: yes. Observed: 1 heterozygote. Study: Yale Center for Mendelian Genomics. Not counted in ClinVar's aggregate classification.

Literature cited by the submitters: PubMed 17660294 (cited by Labcorp Genetics (formerly Invitae), Labcorp); PubMed 30343943 (cited by Labcorp Genetics (formerly Invitae), Labcorp and Yale Center for Mendelian Genomics, Yale University).

NM_001205293.3(CACNA1E):c.5159C>G (p.Ala1720Gly)

Gene: CACNA1E (calcium voltage-gated channel subunit alpha1 E; plus strand). Cytogenetic location: 1q25.3.
Variant type: single nucleotide variant.
Coding change: c.5159C>G on transcript NM_001205293.3 (MANE Select); coding-DNA position 5159, C replaced by G.
Protein change: p.Ala1720Gly; replaces alanine 1720 with glycine.
Molecular consequence: missense variant.
Genome position (GRCh38, 1-based): chr1:181,776,120, C>G. VCF-style: chr1-181776120-C-G. GRCh37 (hg19) VCF-style: chr1-181745256-C-G.
Other names: c.5159C>G, p.Ala1720Gly (NM_000721.4); c.5102C>G, p.Ala1701Gly (NM_001205294.2); short protein forms A1701G, A1720G.
Identifiers: ClinVar variation 1344629 (VCV001344629.7), dbSNP rs2102795834, ClinGen allele CA343628970.
Genomic context (GRCh38, chr1:181,776,120, plus strand): 5'-TTAGGTTTCCCCTAACCCCTCTTCTTCCCCTTGCCCTTCAGATGCTCAACCTGTTTGTGG[C>G]CGTCATCATGGACAACTTTGAGTACCTGACTCGGGACTCCTCCATCCTGGGGCCTCACCA-3'
Protein context (NP_001192222.1, residues 1710-1730): CSFLMLNLFV[Ala1720Gly]VIMDNFEYLT